The following is an entry in ClinVar:

ClinVar aggregate classification (germline): Likely benign. Review status: criteria provided, multiple submitters, no conflicts (2 of 4 stars). 3 submissions from 3 submitters: Likely benign (2). 1 of the submissions does not count toward it. Last evaluated 2026-03-01.

Conditions:
GLS-related disorder. Also called: GLS-related condition.

Allele frequency attached by ClinVar (database versions not stated): gnomAD 0.00009; TOPMed 0.00011; gnomAD exomes 0.00014; ExAC 0.00020; ESP Exome Variant Server 0.00031.
gnomAD v4.1: 221 of 1,610,112 alleles (0.014%); highest among the groups gnomAD compares: Middle Eastern, 0.033%; 1 homozygote.

Submissions (3):

CeGaT Center for Human Genetics Tuebingen
Classification: Likely benign. Last evaluated: 2026-03-01. Review status: criteria provided, single submitter. Criteria: CeGaT Center For Human Genetics Tuebingen Variant Classification Criteria Version 2. Collection method: clinical testing. Allele origin: germline. Affected: yes. Observed: 3 variant alleles.
Comment: GLS: BP4

Blueprint Genetics
Classification: Likely benign. Last evaluated: 2024-11-21. Review status: criteria provided, single submitter. Criteria: ACMG Guidelines, 2015. Collection method: clinical testing. Allele origin: germline.

PreventionGenetics, part of Exact Sciences
Classification: Likely benign for GLS-related condition. Last evaluated: 2019-06-07. Review status: no assertion criteria provided. Collection method: clinical testing. Allele origin: germline. Not counted in ClinVar's aggregate classification.
Comment: This variant is classified as likely benign based on ACMG/AMP sequence variant interpretation guidelines (Richards et al. 2015 PMID: 25741868, with internal and published modifications).

NM_014905.5(GLS):c.1662G>A (p.Val554=)

Gene: GLS (glutaminase; plus strand). Cytogenetic location: 2q32.2.
Variant type: single nucleotide variant.
Coding change: c.1662G>A on transcript NM_014905.5 (MANE Select); coding-DNA position 1662, G replaced by A.
Protein change: p.Val554=; no amino-acid change (valine 554 retained).
Molecular consequence: synonymous variant.
Genome position (GRCh38, 1-based): chr2:190,953,576, G>A. VCF-style: chr2-190953576-G-A. GRCh37 (hg19) VCF-style: chr2-191818302-G-A.
Other names: c.1662G>A (NM_014905.4).
Identifiers: ClinVar variation 2651769 (VCV002651769.26), dbSNP rs202168519, ClinGen allele CA2029602.
Genomic context (GRCh38, chr2:190,953,576, plus strand): 5'-TATGTGTTTTCTCTCTCCTAAGGATGCCTAAACTTTCTTTTCTTCACAGGTAAAGTCAGT[G>A]ATAAATCTTTTGTTTGCTGCATATACTGGAGATGTGTCTGCACTTCGAAGGTATGTTTAC-3'
Protein context (NP_055720.3, residues 544-564): REGGDQRVKS[Val554=]INLLFAAYTG